The following is an entry in ClinVar:

ClinVar aggregate classification (germline): Uncertain significance. Review status: criteria provided, multiple submitters, no conflicts (2 of 4 stars). 2 submissions from 2 submitters: Uncertain significance (2). Last evaluated 2025-04-10.

Conditions:
Brugada syndrome. Also called: Sudden Unexplained Death Syndrome; Sudden unexpected nocturnal death syndrome; Sudden unexplained nocturnal death syndrome; Sudden Unexplained Nocturnal Death Syndrome (SUNDS). Identifiers: Orphanet 130, MedGen C1142166, MONDO:0015263.

Allele frequency attached by ClinVar (database versions not stated): gnomAD 0.00001; gnomAD exomes 0.00001; TOPMed 0.00001.
gnomAD v4.1: 5 of 1,607,392 alleles (0.00031%); highest among the groups gnomAD compares: Admixed American, 0.005%; no homozygotes.

Submissions (2):

Ambry Genetics
Classification: Uncertain significance. Last evaluated: 2025-04-10. Review status: criteria provided, single submitter. Criteria: Ambry Variant Classification Scheme 2023. Collection method: clinical testing. Allele origin: germline.
Comment: The p.A798T variant (also known as c.2392G>A), located in coding exon 21 of the SLMAP gene, results from a G to A substitution at nucleotide position 2392. The alanine at codon 798 is replaced by threonine, an amino acid with similar properties. This amino acid position is conserved. In addition, the in silico prediction for this alteration is inconclusive. Based on the available evidence, the clinical significance of this variant remains unclear.

Labcorp Genetics (formerly Invitae), Labcorp
Classification: Uncertain significance for Brugada syndrome. Last evaluated: 2022-07-12. Review status: criteria provided, single submitter. Criteria: Invitae Variant Classification Sherloc (09022015). Collection method: clinical testing. Allele origin: germline.
Comment: In summary, the available evidence is currently insufficient to determine the role of this variant in disease. Therefore, it has been classified as a Variant of Uncertain Significance. Algorithms developed to predict the effect of missense changes on protein structure and function are either unavailable or do not agree on the potential impact of this missense change (SIFT: "Tolerated"; PolyPhen-2: "Probably Damaging"; Align-GVGD: "Class C0"). ClinVar contains an entry for this variant (Variation ID: 1410969). This variant has not been reported in the literature in individuals affected with SLMAP-related conditions. The frequency data for this variant in the population databases is considered unreliable, as metrics indicate poor data quality at this position in the gnomAD database. This sequence change replaces alanine, which is neutral and non-polar, with threonine, which is neutral and polar, at codon 798 of the SLMAP protein (p.Ala798Thr).

NM_001377540.1(SLMAP):c.*55G>A

Gene: SLMAP (sarcolemma associated protein; plus strand). Cytogenetic location: 3p14.3.
Variant type: single nucleotide variant.
Coding change: c.*55G>A on transcript NM_001377540.1 (MANE Select); 55 bases downstream of the stop codon, G replaced by A.
Molecular consequence: 3 prime UTR variant. On other transcripts: missense variant (10), non-coding transcript variant (1).
Genome position (GRCh38, 1-based): chr3:57,927,344, G>A. VCF-style: chr3-57927344-G-A. GRCh37 (hg19) VCF-style: chr3-57913071-G-A.
Other names: c.2443G>A, p.Ala815Thr (NM_001304420.3); c.2329G>A, p.Ala777Thr (NM_001304421.2, NM_001377557.1); c.1045G>A, p.Ala349Thr (NM_001304422.3); c.847G>A, p.Ala283Thr (NM_001304423.3); c.*55G>A (NM_001311178.2, NM_001377541.1, NM_001377542.1 and 12 more transcripts); c.2515G>A, p.Ala839Thr (NM_001377538.1); c.2494G>A, p.Ala832Thr (NM_001377539.1); c.2380G>A, p.Ala794Thr (NM_001377551.1); and 3 more; short protein forms A283T, A794T, A798T, A815T, A308T, A839T, A349T, A777T.
Identifiers: ClinVar variation 1410969 (VCV001410969.10), dbSNP rs1210310709, ClinGen allele CA353411673.